The following is an entry in ClinVar:

NM_001377.3(DYNC2H1):c.4068C>T (p.Phe1356=)

Gene: DYNC2H1 (dynein cytoplasmic 2 heavy chain 1; plus strand). Cytogenetic location: 11q22.3.
Variant type: single nucleotide variant.
Coding change: c.4068C>T on transcript NM_001377.3 (MANE Select); coding-DNA position 4068, C replaced by T.
Protein change: p.Phe1356=; no amino-acid change (phenylalanine 1356 retained).
Molecular consequence: synonymous variant.
Genome position (GRCh38, 1-based): chr11:103,156,711, C>T. VCF-style: chr11-103156711-C-T. GRCh37 (hg19) VCF-style: chr11-103027440-C-T.
Other names: p.Phe1356=; c.4068C>T, p.Phe1356= (NM_001080463.2).
Identifiers: ClinVar variation 302033 (VCV000302033.27), dbSNP rs74713170, ClinGen allele CA6253451.

ClinVar aggregate classification (germline): Benign/Likely benign. Review status: criteria provided, multiple submitters, no conflicts (2 of 4 stars). 6 submissions from 6 submitters: Benign (5); Likely benign (1). Last evaluated 2026-02-04.

Conditions:
Jeune thoracic dystrophy. Also called: Short-rib thoracic dysplasia; Jeune syndrome; Infantile thoracic dystrophy; Thoracic pelvic phalangeal dystrophy; Jeune's syndrome; Chondroectodermal dysplasia-like syndrome. Identifiers: Orphanet 474, MedGen C0265275, MONDO:0018770.
Asphyxiating thoracic dystrophy 3. Also called: SHORT-RIB THORACIC DYSPLASIA 3 WITH OR WITHOUT POLYDACTYLY; POLYDACTYLY WITH NEONATAL CHONDRODYSTROPHY, TYPE I; SHORT-RIB THORACIC DYSPLASIA 3/6 WITH POLYDACTYLY, DIGENIC; Short rib polydactyly syndrome 2B; Saldino-Noonan Syndrome. Identifiers: Orphanet 474, Orphanet 93269, Orphanet 93270, Orphanet 93271, MedGen C0036069, MONDO:0013127, OMIM 613091.

Allele frequency attached by ClinVar (database versions not stated): gnomAD exomes 0.00175 and 0.00448; ExAC 0.00573; ESP Exome Variant Server 0.01664; gnomAD 0.01720 and 0.01817; TOPMed 0.01895; 1000 Genomes Project 0.01937; 1000 Genomes Project 30x 0.02108.
gnomAD v4.1: 5,279 of 1,613,274 alleles (0.33%); highest among the groups gnomAD compares: African/African-American, 5.8%; 137 homozygotes.

Submissions (6):

Labcorp Genetics (formerly Invitae), Labcorp
Classification: Benign for Jeune thoracic dystrophy. Last evaluated: 2026-02-04. Review status: criteria provided, single submitter. Criteria: Invitae Variant Classification Sherloc (09022015). Collection method: clinical testing. Allele origin: germline.

ARUP Laboratories, Molecular Genetics and Genomics, ARUP Laboratories
Classification: Benign for Asphyxiating thoracic dystrophy 3. Last evaluated: 2025-04-10. Review status: criteria provided, single submitter. Criteria: ARUP Molecular Germline Variant Investigation Process 2024. Collection method: clinical testing. Allele origin: germline.

Mayo Clinic Laboratories, Mayo Clinic
Classification: Benign. Last evaluated: 2023-04-10. Review status: criteria provided, single submitter. Criteria: ACMG Guidelines, 2015. Collection method: clinical testing. Allele origin: germline. Observed: 2 variant alleles.

Illumina Laboratory Services, Illumina
Classification: Benign for Asphyxiating thoracic dystrophy 3. Last evaluated: 2018-01-12. Review status: criteria provided, single submitter. Criteria: ICSL Variant Classification Criteria 13 December 2019. Collection method: clinical testing. Allele origin: germline.
Comment: This variant was observed in the ICSL laboratory as part of a predisposition screen in an ostensibly healthy population. It had not been previously curated by ICSL or reported in the Human Gene Mutation Database (HGMD: prior to June 1st, 2018), and was therefore a candidate for classification through an automated scoring system. Utilizing variant allele frequency, disease prevalence and penetrance estimates, and inheritance mode, an automated score was calculated to assess if this variant is too frequent to cause the disease. Based on the score and internal cut-off values, a variant classified as benign is not then subjected to further curation. The score for this variant resulted in a classification of benign for this disease.

GeneDx
Classification: Benign. Last evaluated: 2016-06-06. Review status: criteria provided, single submitter. Criteria: GeneDx Variant Classification (06012015). Collection method: clinical testing. Allele origin: germline. Affected: yes.
Comment: This variant is considered likely benign or benign based on one or more of the following criteria: it is a conservative change, it occurs at a poorly conserved position in the protein, it is predicted to be benign by multiple in silico algorithms, and/or has population frequency not consistent with disease.

Breakthrough Genomics
Classification: Likely benign. Review status: criteria provided, single submitter. Criteria: ACMG Guidelines, 2015. Collection method: not provided. Allele origin: germline. Inheritance: Autosomal recessive inheritance. Affected: yes.